The following is an entry in ClinVar:

ClinVar aggregate classification (germline): not provided (0 of 4 stars; one submission).

Allele frequency attached by ClinVar (database versions not stated): 1000 Genomes Project 0.00359; 1000 Genomes Project 30x 0.00359; ESP Exome Variant Server 0.00589; TOPMed 0.00652; gnomAD 0.00690 and 0.00702; gnomAD exomes 0.00838 and 0.01114; ExAC 0.01407.
gnomAD v4.1: 15,163 of 1,434,950 alleles (1.1%); highest among the groups gnomAD compares: Non-Finnish European, 1.2%; 110 homozygotes.

Submission:

Human Evolutionary Genetics, Institut Pasteur
No classification provided. Review status: no classification provided. Collection method: not provided. Allele origin: germline.
ClinVar note: Converted during submission from untested to not provided.

NM_001276700.2(NLRP6):c.261G>A (p.Arg87=)

Gene: NLRP6 (NLR family pyrin domain containing 6; plus strand). Cytogenetic location: 11p15.5.
Variant type: single nucleotide variant.
Coding change: c.261G>A on transcript NM_001276700.2 (MANE Select); coding-DNA position 261, G replaced by A.
Protein change: p.Arg87=; no amino-acid change (arginine 87 retained).
Molecular consequence: synonymous variant.
Genome position (GRCh38, 1-based): chr11:279,558, G>A. VCF-style: chr11-279558-G-A. GRCh37 (hg19) VCF-style: chr11-279558-G-A.
Other names: c.261G>A, p.Arg87= (NM_138329.2).
Identifiers: ClinVar variation 103243 (VCV000103243.2), dbSNP rs199475796, ClinGen allele CA230307.